The following is an entry in ClinVar:

NM_018368.4(LMBRD1):c.25G>A (p.Ala9Thr)

Gene: LMBRD1 (LMBR1 domain containing 1; minus strand). Cytogenetic location: 6q13.
Variant type: single nucleotide variant.
Coding change: c.25G>A on transcript NM_018368.4 (MANE Select); coding-DNA position 25, G replaced by A.
Protein change: p.Ala9Thr; replaces alanine 9 with threonine.
Molecular consequence: missense variant.
Genome position (GRCh38, 1-based): chr6:69,796,857, C>T on the plus strand (G>A on the coding strand, the complement: LMBRD1 is on the minus strand). VCF-style: chr6-69796857-C-T. GRCh37 (hg19) VCF-style: chr6-70506749-C-T.
Other names: short protein forms A9T.
Identifiers: ClinVar variation 2158338 (VCV002158338.1), dbSNP rs1333397023, ClinGen allele CA364803892.
Genomic context (GRCh38, chr6:69,796,857, plus strand): 5'-CAAGCGCCTCCCCTACCAGTAGTAAGAGGCCGAATATGCACCAGCCGATCACCAGCTCCG[C>T]CGAGGCCGCGCCAGAAGTCGCCATCTTCGCTTCCGGTCCAGACCAACCTGAGCGCCCGGG-3'
Protein context (NP_060838.3, residues 1-19): MATSGAAS[Ala9Thr]ELVIGWCIFG

ClinVar aggregate classification (germline): Uncertain significance (1 of 4 stars; one submission).

Conditions:
Methylmalonic aciduria and homocystinuria type cblF. Also called: COBALAMIN F DISEASE; COBALAMIN, DEFECT IN LYSOSOMAL RELEASE OF; METHYLMALONIC ACIDEMIA AND HOMOCYSTINURIA, cblF TYPE; METHYLMALONIC ACIDURIA DUE TO VITAMIN B12-RELEASE DEFECT; VITAMIN B12 LYSOSOMAL RELEASE DEFECT; VITAMIN B12 STORAGE DISEASE. Identifiers: Orphanet 79284, MedGen C1848578, MONDO:0010183, OMIM 277380.

Allele frequency attached by ClinVar (database versions not stated): gnomAD exomes 0.00001.
gnomAD v4.1: 3 of 1,614,142 alleles (0.00019%); highest among the groups gnomAD compares: Middle Eastern, 0.033%; no homozygotes.

Submission:

Labcorp Genetics (formerly Invitae), Labcorp
Classification: Uncertain significance for Methylmalonic aciduria and homocystinuria type cblF. Last evaluated: 2022-09-17. Review status: criteria provided, single submitter. Criteria: Invitae Variant Classification Sherloc (09022015). Collection method: clinical testing. Allele origin: germline.
Comment: This sequence change replaces alanine, which is neutral and non-polar, with threonine, which is neutral and polar, at codon 9 of the LMBRD1 protein (p.Ala9Thr). This variant is present in population databases (no rsID available, gnomAD 0.0009%). This variant has not been reported in the literature in individuals affected with LMBRD1-related conditions. Advanced modeling of protein sequence and biophysical properties (such as structural, functional, and spatial information, amino acid conservation, physicochemical variation, residue mobility, and thermodynamic stability) performed at Invitae indicates that this missense variant is not expected to disrupt LMBRD1 protein function. In summary, the available evidence is currently insufficient to determine the role of this variant in disease. Therefore, it has been classified as a Variant of Uncertain Significance.